The following is an entry in ClinVar:

NM_024642.5(GALNT12):c.1418A>G (p.Gln473Arg)

Gene: GALNT12 (polypeptide N-acetylgalactosaminyltransferase 12; plus strand). Cytogenetic location: 9q22.33.
Variant type: single nucleotide variant.
Coding change: c.1418A>G on transcript NM_024642.5 (MANE Select); coding-DNA position 1418, A replaced by G.
Protein change: p.Gln473Arg; replaces glutamine 473 with arginine.
Molecular consequence: missense variant.
Genome position (GRCh38, 1-based): chr9:98,844,169, A>G. VCF-style: chr9-98844169-A-G. GRCh37 (hg19) VCF-style: chr9-101606451-A-G.
Other names: short protein forms Q473R.
Identifiers: ClinVar variation 1476050 (VCV001476050.9), dbSNP rs757485456, ClinGen allele CA5154265.
Genomic context (GRCh38, chr9:98,844,169, plus strand): 5'-GACTAACAGACTACTGCTTTGACTATAACCCTCCCGATGAAAACCAGATTGTGGGACACC[A>G]GGTCATTCTGTACCTCTGTCATGGGATGGGCCAGAATCAGGTAGGTATGAGCCTCAAAAG-3'
Protein context (NP_078918.3, residues 463-483): PPDENQIVGH[Gln473Arg]VILYLCHGMG

ClinVar aggregate classification (germline): Conflicting classifications of pathogenicity. Review status: criteria provided, conflicting classifications (1 of 4 stars). 3 submissions from 3 submitters: Uncertain significance (2); Likely benign (1). Last evaluated 2024-03-26.

Conditions:
Colorectal cancer, susceptibility to, 1. Also called: COLORECTAL ADENOMA AND CANCER, SUSCEPTIBILITY TO; COLORECTAL CANCER, SUSCEPTIBILITY TO, ON CHROMOSOME 9. Identifiers: MedGen C1837315, MONDO:0012132, OMIM 608812.

Allele frequency attached by ClinVar (database versions not stated): gnomAD exomes below 0.00001 and 0.00001; gnomAD 0.00001; ExAC 0.00002.
gnomAD v4.1: 5 of 1,613,752 alleles (0.00031%); highest among the groups gnomAD compares: Admixed American, 0.0067%; no homozygotes.

Submissions (3):

Ambry Genetics
Classification: Likely benign. Last evaluated: 2024-03-26. Review status: criteria provided, single submitter. Criteria: Ambry Variant Classification Scheme 2023. Collection method: clinical testing. Allele origin: germline.

Baylor Genetics
Classification: Uncertain significance for Colorectal cancer, susceptibility to, 1. Last evaluated: 2024-02-14. Review status: criteria provided, single submitter. Criteria: ACMG Guidelines, 2015. Collection method: clinical testing. Allele origin: unknown.

Labcorp Genetics (formerly Invitae), Labcorp
Classification: Uncertain significance. Last evaluated: 2022-08-31. Review status: criteria provided, single submitter. Criteria: Invitae Variant Classification Sherloc (09022015). Collection method: clinical testing. Allele origin: germline.
Comment: In summary, the available evidence is currently insufficient to determine the role of this variant in disease. Therefore, it has been classified as a Variant of Uncertain Significance. Algorithms developed to predict the effect of missense changes on protein structure and function (SIFT, PolyPhen-2, Align-GVGD) all suggest that this variant is likely to be tolerated. ClinVar contains an entry for this variant (Variation ID: 1476050). This variant has not been reported in the literature in individuals affected with GALNT12-related conditions. This variant is present in population databases (rs757485456, gnomAD 0.003%). This sequence change replaces glutamine, which is neutral and polar, with arginine, which is basic and polar, at codon 473 of the GALNT12 protein (p.Gln473Arg).